The following is an entry in ClinVar:

ClinVar aggregate classification (germline): Uncertain significance. Review status: criteria provided, multiple submitters, no conflicts (2 of 4 stars). 2 submissions from 2 submitters: Uncertain significance (2). Last evaluated 2026-02-17.

Conditions:
Early-infantile DEE. Also called: Early infantile epileptic encephalopathy; Ohtahara syndrome; Early infantile epileptic encephalopathy with suppression bursts. Identifiers: Orphanet 1934, MedGen C0393706, MONDO:0800491.
Inborn genetic diseases. Identifiers: MedGen C0950123, MeSH D030342.

gnomAD v4.1: 6 of 1,613,570 alleles (0.00037%); highest among the groups gnomAD compares: African/African-American, 0.0027%; no homozygotes.

Submissions (2):

Ambry Genetics
Classification: Uncertain significance for Inborn genetic diseases. Last evaluated: 2026-02-17. Review status: criteria provided, single submitter. Criteria: Ambry Variant Classification Scheme 2023. Collection method: clinical testing. Allele origin: germline.
Comment: The c.2720G>A (p.R907Q) alteration is located in exon 19 (coding exon 18) of the SPTAN1 gene. This alteration results from a G to A substitution at nucleotide position 2720, causing the arginine (R) at amino acid position 907 to be replaced by a glutamine (Q). Based on data from gnomAD, the A allele has an overall frequency of 0.003% (1/31354) total alleles studied. The highest observed frequency was 0.012% (1/8704) of African alleles. Based on insufficient or conflicting evidence, the clinical significance of this alteration remains unclear.

Labcorp Genetics (formerly Invitae), Labcorp
Classification: Uncertain significance for Early-infantile DEE. Last evaluated: 2022-10-21. Review status: criteria provided, single submitter. Criteria: Invitae Variant Classification Sherloc (09022015). Collection method: clinical testing. Allele origin: germline.
Comment: In summary, the available evidence is currently insufficient to determine the role of this variant in disease. Therefore, it has been classified as a Variant of Uncertain Significance. Algorithms developed to predict the effect of missense changes on protein structure and function (SIFT, PolyPhen-2, Align-GVGD) all suggest that this variant is likely to be tolerated. This variant has not been reported in the literature in individuals affected with SPTAN1-related conditions. This variant is present in population databases (no rsID available, gnomAD 0.01%). This sequence change replaces arginine, which is basic and polar, with glutamine, which is neutral and polar, at codon 907 of the SPTAN1 protein (p.Arg907Gln).

NM_001130438.3(SPTAN1):c.2720G>A (p.Arg907Gln)

Gene: SPTAN1 (spectrin alpha, non-erythrocytic 1; plus strand). Cytogenetic location: 9q34.11.
Variant type: single nucleotide variant.
Coding change: c.2720G>A on transcript NM_001130438.3 (MANE Select); coding-DNA position 2720, G replaced by A.
Protein change: p.Arg907Gln; replaces arginine 907 with glutamine.
Molecular consequence: missense variant.
Genome position (GRCh38, 1-based): chr9:128,585,907, G>A. VCF-style: chr9-128585907-G-A. GRCh37 (hg19) VCF-style: chr9-131348186-G-A.
Other names: c.2720G>A (NM_001130438.2); c.2720G>A, p.Arg907Gln (NM_001195532.2, NM_001363759.2, NM_001363765.2 and 5 more transcripts); c.2756G>A, p.Arg919Gln (NM_001375312.2, NM_001375318.1); short protein forms R919Q, R907Q.
Identifiers: ClinVar variation 2202374 (VCV002202374.5), dbSNP rs780303413, ClinGen allele CA375058400.
Genomic context (GRCh38, chr9:128,585,907, plus strand): 5'-AGGACTCTCTGCAGGCCCAGCAGTACTTTGCTGATGCTAACGAGGCTGAATCCTGGATGC[G>A]GGAGAAGGAACCCATTGTGGGCAGCACTGACTATGGCAAGGACGAAGACTCTGCTGAGGT-3'
Protein context (NP_001123910.1, residues 897-917): ADANEAESWM[Arg907Gln]EKEPIVGSTD